The following is an entry in ClinVar:

NM_006859.4(LIAS):c.596A>G (p.Tyr199Cys)

Gene: LIAS (lipoic acid synthetase; plus strand). Cytogenetic location: 4p14.
Variant type: single nucleotide variant.
Coding change: c.596A>G on transcript NM_006859.4 (MANE Select); coding-DNA position 596, A replaced by G.
Protein change: p.Tyr199Cys; replaces tyrosine 199 with cysteine.
Molecular consequence: missense variant. On other transcripts: intron variant (1).
Genome position (GRCh38, 1-based): chr4:39,465,330, A>G. VCF-style: chr4-39465330-A-G. GRCh37 (hg19) VCF-style: chr4-39466950-A-G.
Other names: c.596A>G, p.Tyr199Cys (NM_001278590.2, NM_194451.3); c.299+1725A>G (NM_001363700.2); short protein forms Y199C.
Identifiers: ClinVar variation 2106100 (VCV002106100.4), dbSNP rs2475000540, ClinGen allele CA356664788.

ClinVar aggregate classification (germline): Uncertain significance (1 of 4 stars; one submission).

Conditions:
Lipoic acid synthetase deficiency. Also called: HYPERGLYCINEMIA, LACTIC ACIDOSIS, AND SEIZURES. Identifiers: Orphanet 401859, MedGen C3280887, MONDO:0013762, OMIM 614462.

Allele frequency attached by ClinVar (database versions not stated): gnomAD exomes below 0.00001.
gnomAD v4.1: 1 of 1,609,666 alleles (0.000062%); highest among the groups gnomAD compares: Non-Finnish European, 0.000085%; no homozygotes.

Submission:

Labcorp Genetics (formerly Invitae), Labcorp
Classification: Uncertain significance for Lipoic acid synthetase deficiency. Last evaluated: 2022-03-04. Review status: criteria provided, single submitter. Criteria: Invitae Variant Classification Sherloc (09022015). Collection method: clinical testing. Allele origin: germline.
Comment: This sequence change replaces tyrosine, which is neutral and polar, with cysteine, which is neutral and slightly polar, at codon 199 of the LIAS protein (p.Tyr199Cys). This variant is not present in population databases (gnomAD no frequency). This variant has not been reported in the literature in individuals affected with LIAS-related conditions. Algorithms developed to predict the effect of missense changes on protein structure and function output the following: SIFT: "Tolerated"; PolyPhen-2: "Benign"; Align-GVGD: "Class C0". The cysteine amino acid residue is found in multiple mammalian species, which suggests that this missense change does not adversely affect protein function. In summary, the available evidence is currently insufficient to determine the role of this variant in disease. Therefore, it has been classified as a Variant of Uncertain Significance.